The following is an entry in ClinVar:

ClinVar aggregate classification (germline): Pathogenic/Likely pathogenic. Review status: criteria provided, multiple submitters, no conflicts (2 of 4 stars). 5 submissions from 5 submitters: Pathogenic (1); Likely pathogenic (4). Last evaluated 2025-12-02.

Conditions:
Lethal congenital contracture syndrome 1 (LCCS1). Also called: MULTIPLE CONTRACTURE SYNDROME, FINNISH TYPE. Identifiers: Orphanet 1486, MedGen C1854664, MONDO:0009670, OMIM 253310.
Lethal arthrogryposis-anterior horn cell disease syndrome (CAAHD). Also called: CONGENITAL ARTHROGRYPOSIS WITH ANTERIOR HORN CELL DISEASE. Identifiers: Orphanet 53696, MedGen C5193016, MONDO:0012750, OMIM 611890.
Lethal congenital contractural syndrome Finnish type.

Allele frequency attached by ClinVar (database versions not stated): TOPMed 0.00002; ExAC 0.00003; gnomAD 0.00003 and 0.00004; gnomAD exomes 0.00003 and 0.00008.
gnomAD v4.1: 119 of 1,613,548 alleles (0.0074%); highest among the groups gnomAD compares: Non-Finnish European, 0.0099%; no homozygotes.

Submissions (5):

Labcorp Genetics (formerly Invitae), Labcorp
Classification: Pathogenic. Last evaluated: 2025-12-02. Review status: criteria provided, single submitter. Criteria: Invitae Variant Classification Sherloc (09022015). Collection method: clinical testing. Allele origin: germline.
Comment: This sequence change creates a premature translational stop signal (p.Gln81*) in the GLE1 gene. It is expected to result in an absent or disrupted protein product. Loss-of-function variants in GLE1 are known to be pathogenic (PMID: 18204449, 24243016, 27684565). This variant is present in population databases (rs772765696, gnomAD 0.007%). This variant has not been reported in the literature in individuals affected with GLE1-related conditions. ClinVar contains an entry for this variant (Variation ID: 951677). For these reasons, this variant has been classified as Pathogenic.

Revvity Omics, Revvity
Classification: Likely pathogenic. Last evaluated: 2025-06-16. Review status: criteria provided, single submitter. Criteria: ACMG Guidelines, 2015. Collection method: clinical testing. Allele origin: germline.

Natera, Inc.
Classification: Likely pathogenic for Lethal congenital contractural syndrome Finnish type. Last evaluated: 2025-02-02. Review status: criteria provided, single submitter. Criteria: Natera Variant Classification Schema (03/2026). Collection method: clinical testing. Allele origin: germline.
Comment: The c.241C>T variant in GLE1 is a nonsense variant predicted to introduce a stop codon at amino acid 81. This variant is expected to result in nonsense mediated decay, truncation, or a dysfunctional protein product. This variant is rare in the general population with a frequency below the threshold expected for the associated phenotype(s). Given the available evidence, this variant is classified as Likely Pathogenic.

Fulgent Genetics
Classification: Likely pathogenic for Lethal congenital contracture syndrome 1; Lethal arthrogryposis-anterior horn cell disease syndrome. Last evaluated: 2024-05-01. Review status: criteria provided, single submitter. Criteria: ACMG Guidelines, 2015. Collection method: clinical testing. Allele origin: germline.

Department of Pathology and Laboratory Medicine, Sinai Health System
Classification: Likely pathogenic for Lethal congenital contracture syndrome 1; Lethal arthrogryposis-anterior horn cell disease syndrome. Last evaluated: 2022-04-06. Review status: criteria provided, single submitter. Criteria: ACMG Guidelines, 2015. Collection method: research. Allele origin: germline.

Literature cited by the submitters: PubMed 18204449 (cited by Labcorp Genetics (formerly Invitae), Labcorp); PubMed 24243016 (cited by Labcorp Genetics (formerly Invitae), Labcorp); PubMed 27684565 (cited by Labcorp Genetics (formerly Invitae), Labcorp).

NM_001003722.2(GLE1):c.241C>T (p.Gln81Ter)

Gene: GLE1 (GLE1 RNA export mediator; plus strand). Cytogenetic location: 9q34.11.
Variant type: single nucleotide variant.
Coding change: c.241C>T on transcript NM_001003722.2 (MANE Select); coding-DNA position 241, C replaced by T.
Protein change: p.Gln81Ter; replaces glutamine 81 with a stop codon.
Molecular consequence: nonsense.
Genome position (GRCh38, 1-based): chr9:128,509,017, C>T. VCF-style: chr9-128509017-C-T. GRCh37 (hg19) VCF-style: chr9-131271296-C-T.
Other names: c.241C>T, p.Gln81Ter (NM_001499.2); short protein forms Q81*.
Identifiers: ClinVar variation 951677 (VCV000951677.11), dbSNP rs772765696, ClinGen allele CA5263507.
Genomic context (GRCh38, chr9:128,509,017, plus strand): 5'-CAGGAGAACCAACCTCTGTCTGAGACTTCGCCATCCTCTACGTCAGCTTCAGCCCTAGAT[C>T]AACCCTCATTTGTTCCCAAATCTCCTGACGCAAGCTCTGCCTTTTCCCCAGCCTCCCCTG-3'